The following is an entry in ClinVar:

NM_153209.4(KIF19):c.654C>G (p.Ser218=)

Gene: KIF19 (kinesin family member 19; plus strand). Cytogenetic location: 17q25.1.
Variant type: single nucleotide variant.
Coding change: c.654C>G on transcript NM_153209.4 (MANE Select); coding-DNA position 654, C replaced by G.
Protein change: p.Ser218=; no amino-acid change (serine 218 retained).
Molecular consequence: synonymous variant.
Genome position (GRCh38, 1-based): chr17:74,344,832, C>G. VCF-style: chr17-74344832-C-G. GRCh37 (hg19) VCF-style: chr17-72340971-C-G.
Identifiers: ClinVar variation 4873833 (VCV004873833.2).

ClinVar aggregate classification (germline): Likely benign (1 of 4 stars; one submission).

Submission:

CeGaT Center for Human Genetics Tuebingen
Classification: Likely benign. Last evaluated: 2026-05-01. Review status: criteria provided, single submitter. Criteria: CeGaT Center For Human Genetics Tuebingen Variant Classification Criteria Version 2. Collection method: clinical testing. Allele origin: germline. Affected: yes. Observed: 1 variant allele.
Comment: KIF19: PM2:Supporting, BP4, BP7